The following is an entry in ClinVar:

NM_198578.4(LRRK2):c.4943A>G (p.Gln1648Arg)

Gene: LRRK2 (leucine rich repeat kinase 2; plus strand). Cytogenetic location: 12q12.
Variant type: single nucleotide variant.
Coding change: c.4943A>G on transcript NM_198578.4 (MANE Select); coding-DNA position 4943, A replaced by G.
Protein change: p.Gln1648Arg; replaces glutamine 1648 with arginine.
Molecular consequence: missense variant.
Genome position (GRCh38, 1-based): chr12:40,320,103, A>G. VCF-style: chr12-40320103-A-G. GRCh37 (hg19) VCF-style: chr12-40713905-A-G.
Other names: short protein forms Q1648R.
Identifiers: ClinVar variation 1306222 (VCV001306222.9), dbSNP rs200143418, ClinGen allele CA6514326.
Genomic context (GRCh38, chr12:40,320,103, plus strand): 5'-GTAGAGATGTGGAAAAATTTCTTTCAAAAAAAAGGAAATTTCCAAAGAACTACATGTCAC[A>G]GTATTTTAAGCTCCTAGAAAAATTCCAGATTGCTTTGCCAATAGGAGAAGAATATTTGCT-3'
Protein context (NP_940980.4, residues 1638-1658): KRKFPKNYMS[Gln1648Arg]YFKLLEKFQI

ClinVar aggregate classification (germline): Conflicting classifications of pathogenicity. Review status: criteria provided, conflicting classifications (1 of 4 stars). 2 submissions from 2 submitters: Uncertain significance (1); Likely benign (1). Last evaluated 2025-07-11.

Conditions:
Autosomal dominant Parkinson disease 8. Also called: LRRK2-Related Parkinson Disease; Parkinson disease 8; Parkinson disease 8, susceptibility to. Identifiers: Orphanet 411602, MedGen C1846862, MONDO:0011764, OMIM 607060.

Allele frequency attached by ClinVar (database versions not stated): gnomAD 0.00005 and 0.00006; TOPMed 0.00006; gnomAD exomes 0.00011 and 0.00015; ExAC 0.00014.
gnomAD v4.1: 227 of 1,611,826 alleles (0.014%); highest among the groups gnomAD compares: Non-Finnish European, 0.019%; no homozygotes.

Submissions (2):

Labcorp Genetics (formerly Invitae), Labcorp
Classification: Likely benign for Autosomal dominant Parkinson disease 8. Last evaluated: 2025-07-11. Review status: criteria provided, single submitter. Criteria: Invitae Variant Classification Sherloc (09022015). Collection method: clinical testing. Allele origin: germline.

GeneDx
Classification: Uncertain significance. Last evaluated: 2019-06-06. Review status: criteria provided, single submitter. Criteria: GeneDx Variant Classification Process June 2021. Collection method: clinical testing. Allele origin: germline. Affected: yes.
Comment: Reported in a patient with Parkinson disease in the published literature; however, additional clinical information was not provided and information regarding parental testing was not available (Trinh et al., 2015); In silico analysis, which includes protein predictors and evolutionary conservation, supports a deleterious effect; This variant is associated with the following publications: (PMID: 26213354)